The following continues an entry in ClinVar:

NM_177965.4(CFAP418):c.450G>A (p.Ser150=)

Gene: CFAP418. ClinVar aggregate classification (germline): Conflicting classifications of pathogenicity. Uncertain significance (1); Benign (4); Likely benign (1).

Submissions 30 to 52 of 52:

Dr. Peter K. Rogan Lab, Western University
No classification provided (evidence only). Condition: Sarcoma. Review status: no classification provided. Collection method: in vitro. Allele origin: not applicable. Functional consequence: skipped exon. Not counted in ClinVar's aggregate classification.

Dr. Peter K. Rogan Lab, Western University
No classification provided (evidence only). Condition: Sarcoma. Review status: no classification provided. Collection method: in vitro. Allele origin: not applicable. Functional consequence: skipped exon. Not counted in ClinVar's aggregate classification.

Dr. Peter K. Rogan Lab, Western University
No classification provided (evidence only). Condition: Sarcoma. Review status: no classification provided. Collection method: in vitro. Allele origin: not applicable. Functional consequence: retained intron. Not counted in ClinVar's aggregate classification.

Dr. Peter K. Rogan Lab, Western University
No classification provided (evidence only). Condition: Sarcoma. Review status: no classification provided. Collection method: in vitro. Allele origin: not applicable. Functional consequence: skipped exon, retained intron. Not counted in ClinVar's aggregate classification.

Dr. Peter K. Rogan Lab, Western University
No classification provided (evidence only). Condition: Sarcoma. Review status: no classification provided. Collection method: in vitro. Allele origin: not applicable. Functional consequence: skipped exon. Not counted in ClinVar's aggregate classification.

Dr. Peter K. Rogan Lab, Western University
No classification provided (evidence only). Condition: Sarcoma. Review status: no classification provided. Collection method: in vitro. Allele origin: not applicable. Functional consequence: skipped exon. Not counted in ClinVar's aggregate classification.

Dr. Peter K. Rogan Lab, Western University
No classification provided (evidence only). Condition: Nonpapillary renal cell carcinoma. Review status: no classification provided. Collection method: in vitro. Allele origin: not applicable. Functional consequence: skipped exon. Not counted in ClinVar's aggregate classification.

Dr. Peter K. Rogan Lab, Western University
No classification provided (evidence only). Condition: Nonpapillary renal cell carcinoma. Review status: no classification provided. Collection method: in vitro. Allele origin: not applicable. Functional consequence: retained intron. Not counted in ClinVar's aggregate classification.

Dr. Peter K. Rogan Lab, Western University
No classification provided (evidence only). Condition: Nonpapillary renal cell carcinoma. Review status: no classification provided. Collection method: in vitro. Allele origin: not applicable. Functional consequence: skipped exon. Not counted in ClinVar's aggregate classification.

Dr. Peter K. Rogan Lab, Western University
No classification provided (evidence only). Condition: Thymoma. Review status: no classification provided. Collection method: in vitro. Allele origin: not applicable. Functional consequence: skipped exon. Not counted in ClinVar's aggregate classification.

Dr. Peter K. Rogan Lab, Western University
No classification provided (evidence only). Condition: Thymoma. Review status: no classification provided. Collection method: in vitro. Allele origin: not applicable. Functional consequence: skipped exon. Not counted in ClinVar's aggregate classification.

Dr. Peter K. Rogan Lab, Western University
No classification provided (evidence only). Condition: Thymoma. Review status: no classification provided. Collection method: in vitro. Allele origin: not applicable. Functional consequence: skipped exon. Not counted in ClinVar's aggregate classification.

Dr. Peter K. Rogan Lab, Western University
No classification provided (evidence only). Condition: Thymoma. Review status: no classification provided. Collection method: in vitro. Allele origin: not applicable. Functional consequence: retained intron. Not counted in ClinVar's aggregate classification.

Dr. Peter K. Rogan Lab, Western University
No classification provided (evidence only). Condition: Thymoma. Review status: no classification provided. Collection method: in vitro. Allele origin: not applicable. Functional consequence: retained intron. Not counted in ClinVar's aggregate classification.

Dr. Peter K. Rogan Lab, Western University
No classification provided (evidence only). Condition: Ovarian serous cystadenocarcinoma. Review status: no classification provided. Collection method: in vitro. Allele origin: not applicable. Functional consequence: retained intron. Not counted in ClinVar's aggregate classification.

Dr. Peter K. Rogan Lab, Western University
No classification provided (evidence only). Condition: Ovarian serous cystadenocarcinoma. Review status: no classification provided. Collection method: in vitro. Allele origin: not applicable. Functional consequence: retained intron. Not counted in ClinVar's aggregate classification.

Dr. Peter K. Rogan Lab, Western University
No classification provided (evidence only). Condition: Gastric cancer. Review status: no classification provided. Collection method: in vitro. Allele origin: not applicable. Functional consequence: retained intron. Not counted in ClinVar's aggregate classification.

Dr. Peter K. Rogan Lab, Western University
No classification provided (evidence only). Condition: Gastric cancer. Review status: no classification provided. Collection method: in vitro. Allele origin: not applicable. Functional consequence: retained intron. Not counted in ClinVar's aggregate classification.

Dr. Peter K. Rogan Lab, Western University
No classification provided (evidence only). Condition: Gastric cancer. Review status: no classification provided. Collection method: in vitro. Allele origin: not applicable. Functional consequence: retained intron. Not counted in ClinVar's aggregate classification.

Dr. Peter K. Rogan Lab, Western University
No classification provided (evidence only). Condition: Uterine carcinosarcoma. Review status: no classification provided. Collection method: in vitro. Allele origin: not applicable. Functional consequence: retained intron. Not counted in ClinVar's aggregate classification.

Dr. Peter K. Rogan Lab, Western University
No classification provided (evidence only). Condition: Malignant tumor of esophagus. Review status: no classification provided. Collection method: in vitro. Allele origin: not applicable. Functional consequence: retained intron. Not counted in ClinVar's aggregate classification.

Dr. Peter K. Rogan Lab, Western University
No classification provided (evidence only). Condition: Malignant tumor of esophagus. Review status: no classification provided. Collection method: in vitro. Allele origin: not applicable. Functional consequence: retained intron. Not counted in ClinVar's aggregate classification.

Dr. Peter K. Rogan Lab, Western University
No classification provided (evidence only). Condition: Malignant tumor of esophagus. Review status: no classification provided. Collection method: in vitro. Allele origin: not applicable. Functional consequence: retained intron. Not counted in ClinVar's aggregate classification.